The following is an entry in ClinVar:

ClinVar aggregate classification (germline): Conflicting classifications of pathogenicity. Review status: criteria provided, conflicting classifications (1 of 4 stars). 2 submissions from 2 submitters: Likely pathogenic (1); Uncertain significance (1). Last evaluated 2022-06-21.

Conditions:
Inborn genetic diseases. Identifiers: MedGen C0950123, MeSH D030342.
Autosomal recessive Kenny-Caffey syndrome (KCS1). Identifiers: Orphanet 2333, Orphanet 93324, MedGen C1855648, MONDO:0009486, OMIM 244460.

Submissions (2):

MGZ Medical Genetics Center
Classification: Uncertain significance for Autosomal recessive Kenny-Caffey syndrome. Last evaluated: 2022-06-21. Review status: criteria provided, single submitter. Criteria: ACMG Guidelines, 2015. Collection method: clinical testing. Allele origin: germline. Affected: yes. Observed: 1 variant allele.
Comment: ACMG criteria applied: PVS1_MOD, PM2_SUP

Ambry Genetics
Classification: Likely pathogenic for Hereditary disease. Last evaluated: 2015-02-10. Review status: criteria provided, single submitter. Criteria: ambry_reporting_categories_2017. Collection method: clinical testing. Allele origin: germline. Affected: yes. Observed: 1 heterozygote. Segregation with disease observed.
Comment: Lines of evidence used in support of classification: LIKELY POSITIVE: Relevant Alteration(s) Detected

Literature cited by the submitters: PubMed 7538982 (cited by Ambry Genetics); PubMed 12389028 (cited by Ambry Genetics); PubMed 2001103 (cited by Ambry Genetics); PubMed 9475091 (cited by Ambry Genetics); PubMed 15645691 (cited by Ambry Genetics); PubMed 27666369 (cited by Ambry Genetics).

NM_003193.5(TBCE):c.1491_1491+4dup

Genes: B3GALNT2 (beta-1,3-N-acetylgalactosaminyltransferase 2; minus strand), TBCE (tubulin folding cofactor E; plus strand). Cytogenetic location: 1q42.3.
Variant type: Duplication.
Coding change: c.1491_1491+4dup on transcript NM_003193.5 (MANE Select); coding-DNA position 1491 through 4 bases into the intron after coding-DNA position 1491, 5 bases duplicated (AGTAA; older notation c.1491_1491+4dupAGTAA).
Molecular consequence: splice donor variant. On other transcripts: 3 prime UTR variant (1).
Genome position (GRCh38, 1-based): chr1:235,448,440-235,448,444, AGTAA duplicated; duplicating any 5 consecutive bases within chr1:235,448,438-235,448,444 gives the same sequence; the c. name uses the placement nearest the transcript's 3' end. VCF-style (leftmost placement, unchanged base first): chr1-235448437-C-CAAAGT. GRCh37 (hg19) VCF-style: chr1-235611752-C-CAAAGT.
Other names: c.1490_1491insAGTAA (NM_003193.5); c.*1764_*1768dup (NM_152490.5); c.1491_1491+4dup (NM_001079515.3); c.1644_1644+4dup (NM_001287801.2); c.1152_1152+4dup (NM_001287802.2).
Identifiers: ClinVar variation 520625 (VCV000520625.5), dbSNP rs746593718, ClinGen allele CA1464491.
Genomic context (GRCh38, chr1:235,448,437, plus strand): 5'-ATTGCTGTCACGTCTTCTCAAAGTTCCTGTGTCAGACCTTCTGTTGTCCTATGAAAGTCC[C>CAAAGT]AAAGTAAGTTGCCCAGCAAAATACAAAGTCAAAGTCAAGCTTAGTCCTCGTATTATGACA-3'